The following is an entry in ClinVar:

ClinVar aggregate classification (germline): Uncertain significance (1 of 4 stars; one submission).

Conditions:
Dyskeratosis congenita, autosomal recessive 6 (DKCB6). Identifiers: MedGen C4225356, MONDO:0014600, OMIM 616353.
Pulmonary fibrosis and/or bone marrow failure, Telomere-related, 4. Also called: PULMONARY FIBROSIS AND/OR BONE MARROW FAILURE SYNDROME, TELOMERE-RELATED, 4. Identifiers: Orphanet 2032, MedGen C4225347, MONDO:0014612, OMIM 616371.

Submission:

Labcorp Genetics (formerly Invitae), Labcorp
Classification: Uncertain significance for Dyskeratosis congenita, autosomal recessive 6; Pulmonary fibrosis and/or bone marrow failure, Telomere-related, 4. Last evaluated: 2023-11-27. Review status: criteria provided, single submitter. Criteria: Invitae Variant Classification Sherloc (09022015). Collection method: clinical testing. Allele origin: germline.
Comment: This sequence change replaces glutamic acid, which is acidic and polar, with alanine, which is neutral and non-polar, at codon 196 of the PARN protein (p.Glu196Ala). This variant is not present in population databases (gnomAD no frequency). This variant has not been reported in the literature in individuals affected with PARN-related conditions. Advanced modeling of protein sequence and biophysical properties (such as structural, functional, and spatial information, amino acid conservation, physicochemical variation, residue mobility, and thermodynamic stability) performed at Invitae indicates that this missense variant is not expected to disrupt PARN protein function with a negative predictive value of 80%. In summary, the available evidence is currently insufficient to determine the role of this variant in disease. Therefore, it has been classified as a Variant of Uncertain Significance.

NM_002582.4(PARN):c.587A>C (p.Glu196Ala)

Gene: PARN (poly(A)-specific ribonuclease; minus strand). Cytogenetic location: 16p13.12.
Variant type: single nucleotide variant.
Coding change: c.587A>C on transcript NM_002582.4 (MANE Select); coding-DNA position 587, A replaced by C.
Protein change: p.Glu196Ala; replaces glutamic acid 196 with alanine.
Molecular consequence: missense variant.
Genome position (GRCh38, 1-based): chr16:14,609,091, T>G on the plus strand (A>C on the coding strand, the complement: PARN is on the minus strand). VCF-style: chr16-14609091-T-G. GRCh37 (hg19) VCF-style: chr16-14702948-T-G.
Other names: c.404A>C, p.Glu135Ala (NM_001134477.3); c.449A>C, p.Glu150Ala (NM_001242992.2); short protein forms E135A, E150A, E196A.
Identifiers: ClinVar variation 2936123 (VCV002936123.3), dbSNP rs1971364381, ClinGen allele CA394809479.